The following is an entry in ClinVar:

NM_001378024.1(ARHGAP32):c.220G>A (p.Ala74Thr)

Gene: ARHGAP32 (Rho GTPase activating protein 32; minus strand). Cytogenetic location: 11q24.3.
Variant type: single nucleotide variant.
Coding change: c.220G>A on transcript NM_001378024.1 (MANE Select); coding-DNA position 220, G replaced by A.
Protein change: p.Ala74Thr; replaces alanine 74 with threonine.
Molecular consequence: missense variant.
Genome position (GRCh38, 1-based): chr11:129,164,324, C>T on the plus strand (G>A on the coding strand, the complement: ARHGAP32 is on the minus strand). VCF-style: chr11-129164324-C-T. GRCh37 (hg19) VCF-style: chr11-129034219-C-T.
Other names: c.220G>A, p.Ala74Thr (NM_001142685.2); c.100G>A, p.Ala34Thr (NM_001378025.1); short protein forms A34T, A74T.
Identifiers: ClinVar variation 3035326 (VCV003035326.2), dbSNP rs547505723, ClinGen allele CA6359493.

ClinVar aggregate classification (germline): Benign (0 of 4 stars; one submission).

Conditions:
ARHGAP32-related disorder. Also called: ARHGAP32-related condition.

Allele frequency attached by ClinVar (database versions not stated): TOPMed 0.00012; gnomAD 0.00072; 1000 Genomes Project 30x 0.00515; 1000 Genomes Project 0.00559; ExAC 0.00664.
gnomAD v4.1: 1,534 of 1,536,568 alleles (0.1%); highest among the groups gnomAD compares: South Asian, 1.7%; 28 homozygotes.

Submission:

PreventionGenetics, part of Exact Sciences
Classification: Benign for ARHGAP32-related condition. Last evaluated: 2020-01-28. Review status: no assertion criteria provided. Collection method: clinical testing. Allele origin: germline.
Comment: This variant is classified as benign based on ACMG/AMP sequence variant interpretation guidelines (Richards et al. 2015 PMID: 25741868, with internal and published modifications).